The following is an entry in ClinVar:

NM_018706.7(DHTKD1):c.1537G>C (p.Ala513Pro)

Gene: DHTKD1 (dehydrogenase E1 and transketolase domain containing 1; plus strand). Cytogenetic location: 10p14.
Variant type: single nucleotide variant.
Coding change: c.1537G>C on transcript NM_018706.7 (MANE Select); coding-DNA position 1537, G replaced by C.
Protein change: p.Ala513Pro; replaces alanine 513 with proline.
Molecular consequence: missense variant.
Genome position (GRCh38, 1-based): chr10:12,097,862, G>C. VCF-style: chr10-12097862-G-C. GRCh37 (hg19) VCF-style: chr10-12139861-G-C.
Other names: short protein forms A513P.
Identifiers: ClinVar variation 3018686 (VCV003018686.3), dbSNP rs2491491835, ClinGen allele CA376021506.

ClinVar aggregate classification (germline): Uncertain significance (1 of 4 stars; one submission).

Conditions:
2-aminoadipic 2-oxoadipic aciduria (AAKAD). Also called: Aminoadipic aciduria; ALPHA-AMINOADIPIC AND ALPHA-KETOADIPIC ACIDURIA. Identifiers: Orphanet 79154, MedGen C1859817, MONDO:0008774, OMIM 204750.

Allele frequency attached by ClinVar (database versions not stated): gnomAD exomes below 0.00001.
gnomAD v4.1: 1 of 1,614,188 alleles (0.000062%); highest among the groups gnomAD compares: Non-Finnish European, 0.000085%; no homozygotes.

Submission:

Labcorp Genetics (formerly Invitae), Labcorp
Classification: Uncertain significance for 2-aminoadipic 2-oxoadipic aciduria. Last evaluated: 2023-12-28. Review status: criteria provided, single submitter. Criteria: Invitae Variant Classification Sherloc (09022015). Collection method: clinical testing. Allele origin: germline.
Comment: This sequence change replaces alanine, which is neutral and non-polar, with proline, which is neutral and non-polar, at codon 513 of the DHTKD1 protein (p.Ala513Pro). This variant is not present in population databases (gnomAD no frequency). This variant has not been reported in the literature in individuals affected with DHTKD1-related conditions. Advanced modeling of protein sequence and biophysical properties (such as structural, functional, and spatial information, amino acid conservation, physicochemical variation, residue mobility, and thermodynamic stability) performed at Invitae indicates that this missense variant is not expected to disrupt DHTKD1 protein function with a negative predictive value of 80%. In summary, the available evidence is currently insufficient to determine the role of this variant in disease. Therefore, it has been classified as a Variant of Uncertain Significance.